The following is an entry in ClinVar:

ClinVar aggregate classification (germline): Uncertain significance (1 of 4 stars; one submission).

gnomAD v4.1: 4 of 1,613,674 alleles (0.00025%); highest among the groups gnomAD compares: Non-Finnish European, 0.00034%; no homozygotes.

Submission:

Labcorp Genetics (formerly Invitae), Labcorp
Classification: Uncertain significance. Last evaluated: 2025-11-27. Review status: criteria provided, single submitter. Criteria: Invitae Variant Classification Sherloc (09022015). Collection method: clinical testing. Allele origin: germline.
Comment: This sequence change replaces arginine, which is basic and polar, with leucine, which is neutral and non-polar, at codon 2660 of the DCHS1 protein (p.Arg2660Leu). This variant is present in population databases (no rsID available, gnomAD 0.0009%). This variant has not been reported in the literature in individuals affected with DCHS1-related conditions. ClinVar contains an entry for this variant (Variation ID: 3719175). Invitae Evidence Modeling of protein sequence and biophysical properties (such as structural, functional, and spatial information, amino acid conservation, physicochemical variation, residue mobility, and thermodynamic stability) has been performed for this missense variant. However, the output from this modeling did not meet the statistical confidence thresholds required to predict the impact of this variant on DCHS1 protein function. In summary, the available evidence is currently insufficient to determine the role of this variant in disease. Therefore, it has been classified as a Variant of Uncertain Significance.

NM_003737.4(DCHS1):c.7979G>T (p.Arg2660Leu)

Gene: DCHS1 (dachsous cadherin-related 1; minus strand). Cytogenetic location: 11p15.4.
Variant type: single nucleotide variant.
Coding change: c.7979G>T on transcript NM_003737.4 (MANE Select); coding-DNA position 7979, G replaced by T.
Protein change: p.Arg2660Leu; replaces arginine 2660 with leucine.
Molecular consequence: missense variant.
Genome position (GRCh38, 1-based): chr11:6,623,697, C>A on the plus strand (G>T on the coding strand, the complement: DCHS1 is on the minus strand). VCF-style: chr11-6623697-C-A. GRCh37 (hg19) VCF-style: chr11-6644928-C-A.
Other names: short protein forms R2660L.
Identifiers: ClinVar variation 3719175 (VCV003719175.2).